The following is an entry in ClinVar:

NM_013382.7(POMT2):c.1726-1dup

Gene: POMT2 (protein O-mannosyltransferase 2; minus strand). Cytogenetic location: 14q24.3.
Variant type: Duplication.
Coding change: c.1726-1dup on transcript NM_013382.7 (MANE Select); the canonical splice acceptor site of the intron before coding-DNA position 1726, one base duplicated (G; older notation c.1726-1dupG).
Molecular consequence: splice acceptor variant.
Genome position (GRCh38, 1-based): chr14:77,280,079, C duplicated on the plus strand (G on the coding strand, the reverse complement: POMT2 is on the minus strand); the first of 3 consecutive C bases (chr14:77,280,079-77,280,081); duplicating any one gives the same sequence. VCF-style (leftmost placement, unchanged base first): chr14-77280078-G-GC. GRCh37 (hg19) VCF-style: chr14-77746421-G-GC.
Other names: c.1727dup (NM_013382.7).
Identifiers: ClinVar variation 813961 (VCV000813961.2), dbSNP rs1229291913, ClinGen allele CA615199272.

ClinVar aggregate classification (germline): Pathogenic/Likely pathogenic. Review status: criteria provided, multiple submitters, no conflicts (2 of 4 stars). 2 submissions from 2 submitters: Pathogenic (1); Likely pathogenic (1). Last evaluated 2024-01-16.

Conditions:
Muscular dystrophy-dystroglycanopathy (congenital with brain and eye anomalies), type A2. Also called: MUSCULAR DYSTROPHY-DYSTROGLYCANOPATHY (CONGENITAL WITH BRAIN AND EYE ANOMALIES), TYPE A, 2; WALKER-WARBURG SYNDROME OR MUSCLE-EYE-BRAIN DISEASE, POMT2-RELATED. Identifiers: Orphanet 588, Orphanet 899, MedGen C3150411, MONDO:0013154, OMIM 613150.
Muscular dystrophy-dystroglycanopathy (congenital with impaired intellectual development), type B, 2. Also called: MUSCULAR DYSTROPHY, CONGENITAL, POMT2-RELATED; Muscular dystrophy-dystroglycanopathy (congenital with intellectual disability), type B2. Identifiers: MedGen C3150416, MONDO:0013160, OMIM 613156.
Autosomal recessive limb-girdle muscular dystrophy type 2N. Also called: MUSCULAR DYSTROPHY-DYSTROGLYCANOPATHY, LIMB-GIRDLE, POMT2-RELATED; Muscular dystrophy-dystroglycanopathy (limb-girdle), type C, 2. Identifiers: Orphanet 206559, MedGen C3150418, MONDO:0013162, OMIM 613158.

Submissions (2):

Fulgent Genetics
Classification: Pathogenic for Muscular dystrophy-dystroglycanopathy (congenital with brain and eye anomalies), type A2; Muscular dystrophy-dystroglycanopathy (congenital with impaired intellectual development), type B, 2; Autosomal recessive limb-girdle muscular dystrophy type 2N. Last evaluated: 2024-01-16. Review status: criteria provided, single submitter. Criteria: ACMG Guidelines, 2015. Collection method: clinical testing. Allele origin: germline.

Broad Center for Mendelian Genomics, Broad Institute of MIT and Harvard
Classification: Likely pathogenic for Autosomal recessive limb-girdle muscular dystrophy type 2N. Last evaluated: 2018-12-03. Review status: criteria provided, single submitter. Criteria: ACMG Guidelines, 2015. Collection method: research. Allele origin: germline. Inheritance: Autosomal recessive inheritance. Affected: yes.
Comment: The heterozygous p.Leu577ProfsTer8 variant in POMT2 was identified by our study in the compound heterozygous state, with a likely pathogenic variant, in two siblings with Limb-Girdle Muscular Dystrophy. The presence of this variant in combination with a reported pathogenic variant and in an individual with Limb-Girdle Muscular Dystrophy increases the likelihood that the p.Leu577ProfsTer8 variant is pathogenic. This variant has been identified in 0.006680% (1/14970) of European (non-Finnish) chromosomes by the Genome Aggregation Database (gnomAD). Although this variant has been seen in the general population, its frequency is low enough to be consistent with a recessive carrier frequency. This variant is predicted to cause a frameshift, which alters the protein's amino acid sequence beginning at position 577 and leads to a premature termination codon 8 amino acids downstream. This alteration is then predicted to lead to a truncated or absent protein. Loss of function of the POMT2 gene is a moderately established disease mechanism in autosomal recessive Limb-Girdle Muscular Dystrophy. In summary, although additional studies are required to fully establish its clinical significance, the p.Leu577ProfsTer8 variant is likely pathogenic. ACMG/AMP Criteria applied: PM2, PVS1_Moderate, PP1, PM3_Supporting (Richards 2015).